The following is an entry in ClinVar:

NM_007294.4(BRCA1):c.4643del (p.Thr1548fs)

Gene: BRCA1 (BRCA1 DNA repair associated; minus strand). Cytogenetic location: 17q21.31.
Variant type: Deletion.
Coding change: c.4643del on transcript NM_007294.4 (MANE Select); coding-DNA position 4643, one base deleted (C; older notation c.4643delC).
Protein change: p.Thr1548fs; shifts the reading frame from threonine 1548.
Molecular consequence: frameshift variant. On other transcripts: non-coding transcript variant (1).
Genome position (GRCh38, 1-based): chr17:43,074,363, G deleted on the plus strand (C on the coding strand, the reverse complement: BRCA1 is on the minus strand). VCF-style (leftmost placement, unchanged base first): chr17-43074362-CG-C. GRCh37 (hg19) VCF-style: chr17-41226379-CG-C.
Other names: c.4427delC, p.Thr1476Argfs (NM_001407917.1, NM_001407918.1, NM_001407915.1 and 1 more transcripts); c.4520delC, p.Thr1507Argfs (NM_001407919.1, NM_001407937.1, NM_001407938.1 and 6 more transcripts); c.4379delC, p.Thr1460Argfs (NM_001407925.1, NM_001407926.1, NM_001407921.1 and 4 more transcripts); c.4376delC, p.Thr1459Argfs (NM_001407927.1, NM_001407928.1, NM_001407929.1 and 4 more transcripts); c.4499delC, p.Thr1500Argfs (NM_001407735.1, NM_001407736.1, NM_001407737.1 and 21 more transcripts); c.4496delC, p.Thr1499Argfs (NM_001407838.1, NM_001407839.1, NM_001407841.1 and 12 more transcripts); c.4643delC, p.Thr1548Argfs (NM_001407854.1, NM_001407593.1, NM_001407594.1 and 8 more transcripts); c.4640delC, p.Thr1547Argfs (NM_001407858.1, NM_001407859.1, NM_001407860.1 and 17 more transcripts); and 71 more; short protein forms T1501fs, T1548fs, T1569fs, T444fs.
Identifiers: ClinVar variation 1050839 (VCV001050839.2), dbSNP rs2153993720, ClinGen allele CA2499224403.

ClinVar aggregate classification (germline): Likely pathogenic (1 of 4 stars; one submission).

Conditions:
Hereditary breast ovarian cancer syndrome. Also called: Hereditary breast and ovarian cancer syndrome; Hereditary breast and ovarian cancer; Hereditary breast and ovarian cancer syndrome (HBOC); BRCA1- and BRCA2-Associated Hereditary Breast and Ovarian Cancer; Hereditary breast and/or ovarian cancer syndrome; Breast and ovarian cancer. Identifiers: Orphanet 145, MedGen C0677776, MeSH D061325, MONDO:0003582. Disease mechanism: loss of function.

Submission:

Women's Health and Genetics/Laboratory Corporation of America, LabCorp
Classification: Likely pathogenic for Hereditary breast ovarian cancer syndrome. Last evaluated: 2021-03-21. Review status: criteria provided, single submitter. Criteria: LabCorp Variant Classification Summary - May 2015. Collection method: clinical testing. Allele origin: germline.
Comment: Variant summary: BRCA1 c.4643delC (p.Thr1548ArgfsX11) results in a premature termination codon, predicted to cause a truncation of the encoded protein or absence of the protein due to nonsense mediated decay, which are commonly known mechanisms for disease. Truncations downstream of this position have been classified as pathogenic by our laboratory. The variant was absent in 251260 control chromosomes. To our knowledge, no occurrence of c.4643delC in individuals affected with Hereditary Breast And Ovarian Cancer Syndrome and no experimental evidence demonstrating its impact on protein function have been reported. No clinical diagnostic laboratories have submitted clinical-significance assessments for this variant to ClinVar after 2014. Based on the evidence outlined above, the variant was classified as likely pathogenic.